The following is an entry in ClinVar:

ClinVar aggregate classification (germline): Benign/Likely benign. Review status: criteria provided, multiple submitters, no conflicts (2 of 4 stars). 11 submissions from 11 submitters: Benign (3); Likely benign (6). 2 of the submissions do not count toward it. Last evaluated 2026-08-01.

Conditions:
Rothmund-Thomson syndrome type 2 (RTS2). Identifiers: Orphanet 221016, MedGen C5203410, MONDO:0016369, OMIM 268400.
Inborn genetic diseases. Identifiers: MedGen C0950123, MeSH D030342.
Baller-Gerold syndrome (BGS). Also called: CRANIOSYNOSTOSIS WITH RADIAL DEFECTS. Identifiers: Orphanet 1225, MedGen C0265308, MONDO:0009039, OMIM 218600.

Allele frequency attached by ClinVar (database versions not stated): 1000 Genomes Project 0.00200; 1000 Genomes Project 30x 0.00234; TOPMed 0.00354; ESP Exome Variant Server 0.00447; gnomAD 0.00554 and 0.00564; gnomAD exomes 0.00655; ExAC 0.00661.
gnomAD v4.1: 9,048 of 1,612,434 alleles (0.56%); highest among the groups gnomAD compares: South Asian, 0.51%; 58 homozygotes.

Submissions (11):

CeGaT Center for Human Genetics Tuebingen
Classification: Likely benign. Last evaluated: 2026-08-01. Review status: criteria provided, single submitter. Criteria: CeGaT Center For Human Genetics Tuebingen Variant Classification Criteria Version 2. Collection method: clinical testing. Allele origin: germline. Affected: yes. Observed: 55 variant alleles.
Comment: RECQL4: BP4, BP7, BS2

Labcorp Genetics (formerly Invitae), Labcorp
Classification: Benign for Baller-Gerold syndrome. Last evaluated: 2026-02-01. Review status: criteria provided, single submitter. Criteria: Invitae Variant Classification Sherloc (09022015). Collection method: clinical testing. Allele origin: germline.

Mayo Clinic Laboratories, Mayo Clinic
Classification: Likely benign. Last evaluated: 2025-09-17. Review status: criteria provided, single submitter. Criteria: ACMG Guidelines, 2015. Collection method: clinical testing. Allele origin: germline. Observed: 3 variant alleles.
Comment: BS1, BP4, BP7

Blueprint Genetics
Classification: Likely benign. Last evaluated: 2024-11-26. Review status: criteria provided, single submitter. Criteria: ACMG Guidelines, 2015. Collection method: clinical testing. Allele origin: germline.

Ambry Genetics
Classification: Likely benign for Inborn genetic diseases. Last evaluated: 2024-10-02. Review status: criteria provided, single submitter. Criteria: Ambry Variant Classification Scheme 2023. Collection method: clinical testing. Allele origin: germline.

KCCC/NGS Laboratory, Kuwait Cancer Control Center
Classification: Benign for Rothmund-Thomson syndrome type 2. Last evaluated: 2023-07-07. Review status: criteria provided, single submitter. Criteria: ACMG Guidelines, 2015. Collection method: clinical testing. Allele origin: germline. Affected: yes.

Genetic Services Laboratory, University of Chicago
Classification: Benign. Last evaluated: 2021-02-15. Review status: criteria provided, single submitter. Criteria: ACMG Guidelines, 2015. Collection method: clinical testing. Allele origin: germline. Affected: no.

GeneDx
Classification: Likely benign. Last evaluated: 2020-09-01. Review status: criteria provided, single submitter. Criteria: GeneDx Variant Classification Process June 2021. Collection method: clinical testing. Allele origin: germline. Affected: yes.

Breakthrough Genomics
Classification: Likely benign. Review status: criteria provided, single submitter. Criteria: ACMG Guidelines, 2015. Collection method: not provided. Allele origin: germline. Inheritance: Autosomal recessive inheritance. Affected: yes.

Clinical Genetics DNA and cytogenetics Diagnostics Lab, Erasmus MC, Erasmus Medical Center
Classification: Likely benign. Review status: no assertion criteria provided. Collection method: clinical testing. Allele origin: germline. Affected: yes. Study: VKGL Data-share Consensus. Not counted in ClinVar's aggregate classification.

Genome Diagnostics Laboratory, Amsterdam University Medical Center
Classification: Benign. Review status: no assertion criteria provided. Collection method: clinical testing. Allele origin: germline. Affected: yes. Study: VKGL Data-share Consensus. Not counted in ClinVar's aggregate classification.

NM_004260.4(RECQL4):c.309G>A (p.Pro103=)

Gene: RECQL4 (RecQ like helicase 4; minus strand). Cytogenetic location: 8q24.3.
Variant type: single nucleotide variant.
Coding change: c.309G>A on transcript NM_004260.4 (MANE Select); coding-DNA position 309, G replaced by A.
Protein change: p.Pro103=; no amino-acid change (proline 103 retained).
Molecular consequence: synonymous variant.
Genome position (GRCh38, 1-based): chr8:144,517,095, C>T on the plus strand (G>A on the coding strand, the complement: RECQL4 is on the minus strand). VCF-style: chr8-144517095-C-T. GRCh37 (hg19) VCF-style: chr8-145742479-C-T.
Other names: p.Pro103=.
Identifiers: ClinVar variation 239756 (VCV000239756.61), dbSNP rs4251688, ClinGen allele CA4949384.
Genomic context (GRCh38, chr8:144,517,095, plus strand): 5'-CTGCCCACTCCTCACCTGCAGGGTGCCTTTCAGATTGGCCTTGAGCCGCTGCCCGTAGTC[C>T]GGCACCGAGCCCTGGCGGCTCCGCCCTGGCGTAGACTGTGGACTCTTGGTCGCAGCCCGA-3'
Protein context (NP_004251.4, residues 93-113): TPGRSRQGSV[Pro103=]DYGQRLKANL